The following is an entry in ClinVar:

ClinVar aggregate classification (germline): Benign/Likely benign. Review status: criteria provided, multiple submitters, no conflicts (2 of 4 stars). 4 submissions from 4 submitters: Benign (2); Likely benign (2). Last evaluated 2024-11-01.

Allele frequency attached by ClinVar (database versions not stated): gnomAD exomes 0.00028 and 0.00091; ExAC 0.00113; gnomAD 0.00351 and 0.00371; TOPMed 0.00388; ESP Exome Variant Server 0.00408; 1000 Genomes Project 30x 0.00422; 1000 Genomes Project 0.00439.
gnomAD v4.1: 990 of 1,613,804 alleles (0.061%); highest among the groups gnomAD compares: African/African-American, 1.1%; 5 homozygotes.

Submissions (4):

CeGaT Center for Human Genetics Tuebingen
Classification: Likely benign. Last evaluated: 2024-11-01. Review status: criteria provided, single submitter. Criteria: CeGaT Center For Human Genetics Tuebingen Variant Classification Criteria Version 2. Collection method: clinical testing. Allele origin: germline. Affected: yes. Observed: 1 variant allele.
Comment: IDH1: BP4, BP7, BS1

Ambry Genetics
Classification: Likely benign. Last evaluated: 2022-02-12. Review status: criteria provided, single submitter. Criteria: Ambry Variant Classification Scheme 2023. Collection method: clinical testing. Allele origin: germline.

Labcorp Genetics (formerly Invitae), Labcorp
Classification: Benign. Last evaluated: 2019-12-31. Review status: criteria provided, single submitter. Criteria: Invitae Variant Classification Sherloc (09022015). Collection method: clinical testing. Allele origin: germline.

Breakthrough Genomics
Classification: Benign. Review status: criteria provided, single submitter. Criteria: ACMG Guidelines, 2015. Collection method: not provided. Allele origin: germline. Inheritance: Autosomal dominant inheritance. Affected: yes.

NM_005896.4(IDH1):c.708G>A (p.Lys236=)

Gene: IDH1 (isocitrate dehydrogenase (NADP(+)) 1; minus strand). Cytogenetic location: 2q34.
Variant type: single nucleotide variant.
Coding change: c.708G>A on transcript NM_005896.4 (MANE Select); coding-DNA position 708, G replaced by A.
Protein change: p.Lys236=; no amino-acid change (lysine 236 retained).
Molecular consequence: synonymous variant.
Genome position (GRCh38, 1-based): chr2:208,242,136, C>T on the plus strand (G>A on the coding strand, the complement: IDH1 is on the minus strand). VCF-style: chr2-208242136-C-T. GRCh37 (hg19) VCF-style: chr2-209106860-C-T.
Other names: c.708G>A, p.Lys236= (NM_001282386.1, NM_001282387.1).
Identifiers: ClinVar variation 716837 (VCV000716837.20), dbSNP rs150747919, ClinGen allele CA2078925.